The following is an entry in ClinVar:

ClinVar aggregate classification (germline): Uncertain significance (1 of 4 stars; one submission).

gnomAD v4.1: 2 of 1,613,946 alleles (0.00012%); highest among the groups gnomAD compares: South Asian, 0.0022%; no homozygotes.

Submission:

CeGaT Center for Human Genetics Tuebingen
Classification: Uncertain significance. Last evaluated: 2025-04-01. Review status: criteria provided, single submitter. Criteria: CeGaT Center For Human Genetics Tuebingen Variant Classification Criteria Version 2. Collection method: clinical testing. Allele origin: germline. Affected: yes. Observed: 1 variant allele.
Comment: NEB: PM2

NM_001164508.2(NEB):c.25040A>G (p.Asp8347Gly)

Genes: NEB (nebulin; minus strand), RIF1 (replication timing regulatory factor 1; plus strand). Cytogenetic location: 2q23.3.
Variant type: single nucleotide variant.
Coding change: c.25040A>G on transcript NM_001164508.2 (MANE Select); coding-DNA position 25040, A replaced by G.
Protein change: p.Asp8347Gly; replaces aspartic acid 8347 with glycine.
Molecular consequence: missense variant.
Genome position (GRCh38, 1-based): chr2:151,492,115, T>C on the plus strand (A>G on the coding strand, the complement: NEB is on the minus strand). VCF-style: chr2-151492115-T-C. GRCh37 (hg19) VCF-style: chr2-152348629-T-C.
Other names: c.25040A>G, p.Asp8347Gly (NM_001164507.2); c.25145A>G, p.Asp8382Gly (NM_001271208.2); c.19472A>G, p.Asp6491Gly (NM_004543.5); short protein forms D6491G, D8347G, D8382G.
Identifiers: ClinVar variation 3898451 (VCV003898451.7).